The following is an entry in ClinVar:

ClinVar aggregate classification (germline): Uncertain significance (1 of 4 stars; one submission).

Conditions:
Inborn genetic diseases. Identifiers: MedGen C0950123, MeSH D030342.

gnomAD v4.1: 2 of 1,614,068 alleles (0.00012%); highest among the groups gnomAD compares: South Asian, 0.0011%; no homozygotes.

Submission:

Ambry Genetics
Classification: Uncertain significance for Inborn genetic diseases. Last evaluated: 2024-09-12. Review status: criteria provided, single submitter. Criteria: Ambry Variant Classification Scheme 2023. Collection method: clinical testing. Allele origin: germline.
Comment: The p.E1011G variant (also known as c.3032A>G), located in coding exon 23 of the LRRK2 gene, results from an A to G substitution at nucleotide position 3032. The glutamic acid at codon 1011 is replaced by glycine, an amino acid with similar properties. This amino acid position is conserved. In addition, the in silico prediction for this alteration is inconclusive. Based on the available evidence, the clinical significance of this variant remains unclear.

NM_198578.4(LRRK2):c.3032A>G (p.Glu1011Gly)

Gene: LRRK2 (leucine rich repeat kinase 2; plus strand). Cytogenetic location: 12q12.
Variant type: single nucleotide variant.
Coding change: c.3032A>G on transcript NM_198578.4 (MANE Select); coding-DNA position 3032, A replaced by G.
Protein change: p.Glu1011Gly; replaces glutamic acid 1011 with glycine.
Molecular consequence: missense variant.
Genome position (GRCh38, 1-based): chr12:40,295,580, A>G. VCF-style: chr12-40295580-A-G. GRCh37 (hg19) VCF-style: chr12-40689382-A-G.
Other names: short protein forms E1011G.
Identifiers: ClinVar variation 3540676 (VCV003540676.1).